The following is an entry in ClinVar:

NM_138348.6(OTULIN):c.686A>G (p.Tyr229Cys)

Gene: OTULIN (OTU deubiquitinase with linear linkage specificity; plus strand). Cytogenetic location: 5p15.2.
Variant type: single nucleotide variant.
Coding change: c.686A>G on transcript NM_138348.6 (MANE Select); coding-DNA position 686, A replaced by G.
Protein change: p.Tyr229Cys; replaces tyrosine 229 with cysteine.
Molecular consequence: missense variant.
Genome position (GRCh38, 1-based): chr5:14,690,130, A>G. VCF-style: chr5-14690130-A-G. GRCh37 (hg19) VCF-style: chr5-14690239-A-G.
Other names: short protein forms Y229C.
Identifiers: ClinVar variation 4997599 (VCV004997599.1).

ClinVar aggregate classification (germline): Uncertain significance (1 of 4 stars; one submission).

Conditions:
OTULIN-related disorder. Also called: OTULIN-related condition.

gnomAD v4.1: 2 of 1,614,148 alleles (0.00012%); highest among the groups gnomAD compares: South Asian, 0.0011%; no homozygotes.

Submission:

PreventionGenetics, part of Exact Sciences
Classification: Uncertain significance for OTULIN-related condition. Last evaluated: 2025-03-21. Review status: criteria provided, single submitter. Criteria: ACMG Guidelines, 2015. Collection method: clinical testing. Allele origin: germline.
Comment: The OTULIN c.686A>G variant is predicted to result in the amino acid substitution p.Tyr229Cys. To our knowledge, this variant has not been reported in the literature. This variant is reported in 0.0033% of alleles in individuals of South Asian descent in gnomAD. At this time, the clinical significance of this variant is uncertain due to the absence of conclusive functional and genetic evidence.